The following is an entry in ClinVar:

ClinVar aggregate classification (germline): Uncertain significance (1 of 4 stars; one submission).

gnomAD v4.1: 11 of 1,418,226 alleles (0.00078%); highest among the groups gnomAD compares: East Asian, 0.0031%; no homozygotes.

Submission:

Labcorp Genetics (formerly Invitae), Labcorp
Classification: Uncertain significance. Last evaluated: 2021-09-26. Review status: criteria provided, single submitter. Criteria: Invitae Variant Classification Sherloc (09022015). Collection method: clinical testing. Allele origin: germline.
Comment: In summary, the available evidence is currently insufficient to determine the role of this variant in disease. Therefore, it has been classified as a Variant of Uncertain Significance. Algorithms developed to predict the effect of missense changes on protein structure and function are either unavailable or do not agree on the potential impact of this missense change (SIFT: "Tolerated"; PolyPhen-2: "Not Available"; Align-GVGD: "Class C15"). This variant has not been reported in the literature in individuals affected with GIPC3-related conditions. The frequency data for this variant in the population databases is considered unreliable, as metrics indicate insufficient coverage at this position in the ExAC database. This sequence change replaces arginine with cysteine at codon 32 of the GIPC3 protein (p.Arg32Cys). The arginine residue is moderately conserved and there is a large physicochemical difference between arginine and cysteine.

NM_133261.3(GIPC3):c.94C>T (p.Arg32Cys)

Gene: GIPC3 (GIPC PDZ domain containing family member 3; plus strand). Cytogenetic location: 19p13.3.
Variant type: single nucleotide variant.
Coding change: c.94C>T on transcript NM_133261.3 (MANE Select); coding-DNA position 94, C replaced by T.
Protein change: p.Arg32Cys; replaces arginine 32 with cysteine.
Molecular consequence: missense variant.
Genome position (GRCh38, 1-based): chr19:3,585,691, C>T. VCF-style: chr19-3585691-C-T. GRCh37 (hg19) VCF-style: chr19-3585689-C-T.
Other names: short protein forms R32C.
Identifiers: ClinVar variation 1368047 (VCV001368047.6), dbSNP rs1189679517, ClinGen allele CA403359974.